The following is an entry in ClinVar:

ClinVar aggregate classification (germline): Uncertain significance. Review status: criteria provided, multiple submitters, no conflicts (2 of 4 stars). 2 submissions from 2 submitters: Uncertain significance (2). Last evaluated 2025-11-04.

Conditions:
Hereditary cancer-predisposing syndrome. Also called: Neoplastic Syndromes, Hereditary; Hereditary neoplastic syndrome; Hereditary Cancer Syndrome; Tumor predisposition. Identifiers: Orphanet 140162, MedGen C0027672, MeSH D009386, MONDO:0015356.
Tuberous sclerosis 2 (TSC2). Identifiers: Orphanet 805, MedGen C1860707, MONDO:0013199, OMIM 613254.

Submissions (2):

Ambry Genetics
Classification: Uncertain significance for Hereditary cancer-predisposing syndrome. Last evaluated: 2025-11-04. Review status: criteria provided, single submitter. Criteria: Ambry Variant Classification Scheme 2023. Collection method: clinical testing. Allele origin: germline.
Comment: The p.R1451P variant (also known as c.4352G>C), located in coding exon 33 of the TSC2 gene, results from a G to C substitution at nucleotide position 4352. The arginine at codon 1451 is replaced by proline, an amino acid with dissimilar properties. This amino acid position is not well conserved in available vertebrate species. In addition, the in silico prediction for this alteration is inconclusive. Based on the available evidence, the clinical significance of this variant remains unclear.

Labcorp Genetics (formerly Invitae), Labcorp
Classification: Uncertain significance for Tuberous sclerosis 2. Last evaluated: 2021-02-05. Review status: criteria provided, single submitter. Criteria: Invitae Variant Classification Sherloc (09022015). Collection method: clinical testing. Allele origin: germline.
Comment: This variant has not been reported in the literature in individuals with TSC2-related conditions. This variant is not present in population databases (ExAC no frequency). This sequence change replaces arginine with proline at codon 1451 of the TSC2 protein (p.Arg1451Pro). The arginine residue is moderately conserved and there is a moderate physicochemical difference between arginine and proline. In summary, the available evidence is currently insufficient to determine the role of this variant in disease. Therefore, it has been classified as a Variant of Uncertain Significance. Advanced modeling of protein sequence and biophysical properties (such as structural, functional, and spatial information, amino acid conservation, physicochemical variation, residue mobility, and thermodynamic stability) performed at Invitae indicates that this missense variant is not expected to disrupt TSC2 protein function.

NM_000548.5(TSC2):c.4352G>C (p.Arg1451Pro)

Gene: TSC2 (TSC complex subunit 2; plus strand). Cytogenetic location: 16p13.3.
Variant type: single nucleotide variant.
Coding change: c.4352G>C on transcript NM_000548.5 (MANE Select); coding-DNA position 4352, G replaced by C.
Protein change: p.Arg1451Pro; replaces arginine 1451 with proline.
Molecular consequence: missense variant.
Genome position (GRCh38, 1-based): chr16:2,084,574, G>C. VCF-style: chr16-2084574-G-C. GRCh37 (hg19) VCF-style: chr16-2134575-G-C.
Other names: c.4352G>C (NM_000548.3); c.4151G>C, p.Arg1384Pro (NM_001077183.3); c.4283G>C, p.Arg1428Pro (NM_001114382.3); c.4043G>C, p.Arg1348Pro (NM_001318827.2); c.4007G>C, p.Arg1336Pro (NM_001318829.2); c.3620G>C, p.Arg1207Pro (NM_001318831.2); c.4184G>C, p.Arg1395Pro (NM_001318832.2); c.4154G>C, p.Arg1385Pro (NM_001363528.2); and 2 more; short protein forms R1348P, R1384P, R1428P, R1385P, R1395P, R1408P, R1451P, R1336P.
Identifiers: ClinVar variation 1407494 (VCV001407494.9), dbSNP rs142848358, ClinGen allele CA394301579.